The following is an entry in ClinVar:

NM_001267550.2(TTN):c.36199G>A (p.Glu12067Lys)

Gene: TTN (titin; minus strand). Cytogenetic location: 2q31.2.
Variant type: single nucleotide variant.
Coding change: c.36199G>A on transcript NM_001267550.2 (MANE Select); coding-DNA position 36199, G replaced by A.
Protein change: p.Glu12067Lys; replaces glutamic acid 12067 with lysine.
Molecular consequence: missense variant. On other transcripts: intron variant (5).
Genome position (GRCh38, 1-based): chr2:178,664,657, C>T on the plus strand (G>A on the coding strand, the complement: TTN is on the minus strand). VCF-style: chr2-178664657-C-T. GRCh37 (hg19) VCF-style: chr2-179529384-C-T.
Other names: c.13283-22340G>A (NM_003319.4); c.13859-22340G>A (NM_133437.4); c.13658-22340G>A (NM_133432.3); c.31484-1602G>A (NM_133378.4); c.34265-1602G>A (NM_001256850.1); short protein forms E12067K.
Identifiers: ClinVar variation 4686394 (VCV004686394.1).

ClinVar aggregate classification (germline): Uncertain significance (1 of 4 stars; one submission).

gnomAD v4.1: 8 of 1,612,096 alleles (0.0005%); highest among the groups gnomAD compares: Non-Finnish European, 0.00068%; no homozygotes.

Submission:

GeneDx
Classification: Uncertain significance. Last evaluated: 2025-07-15. Review status: criteria provided, single submitter. Criteria: GeneDx Variant Classification Process June 2021. Collection method: clinical testing. Allele origin: germline. Affected: yes.
Comment: Not observed at significant frequency in large population cohorts (gnomAD); Missense variant in a gene in which most reported pathogenic variants are truncating/loss of function; Has not been previously published as pathogenic or benign to our knowledge